The following is an entry in ClinVar:

ClinVar aggregate classification (germline): Uncertain significance (1 of 4 stars; one submission).

gnomAD v4.1: 29 of 1,611,236 alleles (0.0018%); highest among the groups gnomAD compares: African/African-American, 0.031%; no homozygotes.

Submission:

Women's Health and Genetics/Laboratory Corporation of America, LabCorp
Classification: Uncertain significance. Last evaluated: 2026-06-05. Review status: criteria provided, single submitter. Criteria: LabCorp Variant Classification Summary - May 2015. Collection method: clinical testing. Allele origin: germline.
Comment: Variant summary: TRIP11 c.*9C>T is located in the untranslated mRNA region downstream of the termination codon. The variant allele was found at a frequency of 2e-05 in 250988 control chromosomes. The available data on variant occurrences in the general population are insufficient to allow any conclusion about variant significance. To our knowledge, no occurrence of c.*9C>T in individuals affected with TRIP11-related conditions and no experimental evidence demonstrating its impact on protein function have been reported. No submitters have cited clinical-significance assessments for this variant to ClinVar. Based on the evidence outlined above, the variant was classified as uncertain significance.

NM_004239.4(TRIP11):c.*9C>T

Gene: TRIP11 (thyroid hormone receptor interactor 11; minus strand). Cytogenetic location: 14q32.12.
Variant type: single nucleotide variant.
Coding change: c.*9C>T on transcript NM_004239.4 (MANE Select); 9 bases downstream of the stop codon, C replaced by T.
Molecular consequence: 3 prime UTR variant.
Genome position (GRCh38, 1-based): chr14:91,969,664, G>A on the plus strand (C>T on the coding strand, the complement: TRIP11 is on the minus strand). VCF-style: chr14-91969664-G-A. GRCh37 (hg19) VCF-style: chr14-92436008-G-A.
Other names: c.*9C>T (NM_001321851.1).
Identifiers: ClinVar variation 4887493 (VCV004887493.1).